The following is an entry in ClinVar:

ClinVar aggregate classification (germline): Pathogenic (1 of 4 stars; one submission).

Conditions:
Polycystic kidney disease, adult type (PKD1). Also called: Polycystic Kidney, Autosomal Dominant; POLYCYSTIC KIDNEY DISEASE 1 WITH OR WITHOUT POLYCYSTIC LIVER DISEASE; POLYCYSTIC KIDNEY DISEASE, ADULT, TYPE I; Polycystic Kidney Disease 1, Autosomal Dominant; Polycystic kidney disease 1; Polycystic kidney disease 1, severe. Identifiers: MedGen C3149841, MONDO:0008263, OMIM 173900.

Submission:

Juno Genomics, Hangzhou Juno Genomics, Inc
Classification: Pathogenic for Polycystic kidney disease, adult type. Review status: criteria provided, single submitter. Criteria: ACMG Guidelines, 2015. Collection method: clinical testing. Allele origin: germline. Affected: yes.
Comment: Null variant in a gene where loss of function (LOF) is a known mechanism of disease.;Absent from controls (or at extremely low frequency if recessive) in Genome Aggregation Database, Exome Sequencing Project, 1000 Genomes Project, or Exome Aggregation Consortium.;Patient's phenotype or family history is highly specific for a disease with a single genetic etiology.

NM_001009944.3(PKD1):c.9924-10_9924dup

Gene: PKD1 (polycystin 1, transient receptor potential channel interacting; minus strand). Cytogenetic location: 16p13.3.
Variant type: Duplication.
Coding change: c.9924-10_9924dup on transcript NM_001009944.3 (MANE Select); 10 bases into the intron before coding-DNA position 9924 through coding-DNA position 9924, 11 bases duplicated (CTCCACACAGC).
Molecular consequence: splice acceptor variant.
Genome position (GRCh38, 1-based): chr16:2,099,770-2,099,780, GCTGTGTGGAG duplicated on the plus strand (CTCCACACAGC on the coding strand, the reverse complement: PKD1 is on the minus strand); duplicating any 11 consecutive bases within chr16:2,099,770-2,099,781 gives the same sequence; the c. name uses the placement nearest the transcript's 3' end. VCF-style (leftmost placement, unchanged base first): chr16-2099769-T-TGCTGTGTGGAG. GRCh37 (hg19) VCF-style: chr16-2149770-T-TGCTGTGTGGAG.
Other names: c.9924-10_9924dup (NM_000296.4).
Identifiers: ClinVar variation 3335864 (VCV003335864.2).